The following is an entry in ClinVar:

NM_001122681.2(SH3BP2):c.*3743G>A

Gene: SH3BP2 (SH3 domain binding protein 2; plus strand). Cytogenetic location: 4p16.3.
Variant type: single nucleotide variant.
Coding change: c.*3743G>A on transcript NM_001122681.2 (MANE Select); 3743 bases downstream of the stop codon, G replaced by A.
Molecular consequence: 3 prime UTR variant.
Genome position (GRCh38, 1-based): chr4:2,837,577, G>A. VCF-style: chr4-2837577-G-A. GRCh37 (hg19) VCF-style: chr4-2839304-G-A.
Other names: c.*3743G>A (LRG_1334t1, LRG_1334t2, NM_001145855.2 and 2 more transcripts).
Identifiers: ClinVar variation 348664 (VCV000348664.5), dbSNP rs114380025, ClinGen allele CA10618659.

ClinVar aggregate classification (germline): Benign (1 of 4 stars; one submission).

Conditions:
Fibrous dysplasia of jaw (CRBM). Also called: Cherubism. Identifiers: Orphanet 184, MedGen C0008029, MONDO:0007315, OMIM 118400.

Allele frequency attached by ClinVar (database versions not stated): gnomAD 0.01615 and 0.01677; TOPMed 0.01753; 1000 Genomes Project 0.01877; 1000 Genomes Project 30x 0.01983.

Submission:

Illumina Laboratory Services, Illumina
Classification: Benign for Fibrous dysplasia of jaw. Last evaluated: 2018-01-13. Review status: criteria provided, single submitter. Criteria: ICSL Variant Classification Criteria 13 December 2019. Collection method: clinical testing. Allele origin: germline.
Comment: This variant was observed in the ICSL laboratory as part of a predisposition screen in an ostensibly healthy population. It had not been previously curated by ICSL or reported in the Human Gene Mutation Database (HGMD: prior to June 1st, 2018), and was therefore a candidate for classification through an automated scoring system. Utilizing variant allele frequency, disease prevalence and penetrance estimates, and inheritance mode, an automated score was calculated to assess if this variant is too frequent to cause the disease. Based on the score and internal cut-off values, a variant classified as benign is not then subjected to further curation. The score for this variant resulted in a classification of benign for this disease.